The following is an entry in ClinVar:

ClinVar aggregate classification (germline): Uncertain significance (1 of 4 stars; one submission).

Conditions:
Familial hypocalciuric hypercalcemia (FHH). Also called: Familial benign hypercalcemia. Identifiers: Orphanet 405, MedGen C1809471, MONDO:0018458.
Autosomal dominant hypocalcemia 1 (HYPOC1). Also called: HYPOCALCEMIA, FAMILIAL. Identifiers: MedGen C3715128, MONDO:0011013, OMIM 601198.

Submission:

Labcorp Genetics (formerly Invitae), Labcorp
Classification: Uncertain significance for Familial hypocalciuric hypercalcemia; Autosomal dominant hypocalcemia 1. Last evaluated: 2021-11-23. Review status: criteria provided, single submitter. Criteria: Invitae Variant Classification Sherloc (09022015). Collection method: clinical testing. Allele origin: germline.
Comment: In summary, the available evidence is currently insufficient to determine the role of this variant in disease. Therefore, it has been classified as a Variant of Uncertain Significance. Algorithms developed to predict the effect of missense changes on protein structure and function are either unavailable or do not agree on the potential impact of this missense change (SIFT: "Deleterious"; PolyPhen-2: "Benign"; Align-GVGD: "Class C0"). This variant has not been reported in the literature in individuals affected with CASR-related conditions. This variant is not present in population databases (gnomAD no frequency). This sequence change replaces glutamine, which is neutral and polar, with lysine, which is basic and polar, at codon 959 of the CASR protein (p.Gln959Lys).

NM_000388.4(CASR):c.2875C>A (p.Gln959Lys)

Gene: CASR (calcium sensing receptor; plus strand). Cytogenetic location: 3q21.1.
Variant type: single nucleotide variant.
Coding change: c.2875C>A on transcript NM_000388.4 (MANE Select); coding-DNA position 2875, C replaced by A.
Protein change: p.Gln959Lys; replaces glutamine 959 with lysine.
Molecular consequence: missense variant.
Genome position (GRCh38, 1-based): chr3:122,284,829, C>A. VCF-style: chr3-122284829-C-A. GRCh37 (hg19) VCF-style: chr3-122003676-C-A.
Other names: c.2905C>A, p.Gln969Lys (NM_001178065.2); short protein forms Q959K, Q969K.
Identifiers: ClinVar variation 1427188 (VCV001427188.6), dbSNP rs2107651420, ClinGen allele CA354160957.
Genomic context (GRCh38, chr3:122,284,829, plus strand): 5'-ACCCAGCAAGAGCAGCAGCAGCAGCCCCTGACCCTCCCACAGCAGCAACGATCTCAGCAG[C>A]AGCCCAGATGCAAGCAGAAGGTCATCTTTGGCAGCGGCACGGTCACCTTCTCACTGAGCT-3'
Protein context (NP_000379.3, residues 949-969): TLPQQQRSQQ[Gln959Lys]PRCKQKVIFG